The following is an entry in ClinVar:

NM_001366385.1(CARD14):c.428A>C (p.Lys143Thr)

Gene: CARD14 (caspase recruitment domain family member 14; plus strand). Cytogenetic location: 17q25.3.
Variant type: single nucleotide variant.
Coding change: c.428A>C on transcript NM_001366385.1 (MANE Select); coding-DNA position 428, A replaced by C.
Protein change: p.Lys143Thr; replaces lysine 143 with threonine.
Molecular consequence: missense variant. On other transcripts: non-coding transcript variant (1).
Genome position (GRCh38, 1-based): chr17:80,183,991, A>C. VCF-style: chr17-80183991-A-C. GRCh37 (hg19) VCF-style: chr17-78157790-A-C.
Other names: c.428A>C, p.Lys143Thr (NM_001257970.1, NM_024110.4); c.428A>C (NM_024110.3); short protein forms K143T.
Identifiers: ClinVar variation 1064207 (VCV001064207.10), dbSNP rs755012349, ClinGen allele CA8816422.

ClinVar aggregate classification (germline): Uncertain significance. Review status: criteria provided, multiple submitters, no conflicts (2 of 4 stars). 2 submissions from 2 submitters: Uncertain significance (2). Last evaluated 2024-05-23.

Conditions:
Inborn genetic diseases. Identifiers: MedGen C0950123, MeSH D030342.
Psoriasis 2. Identifiers: MedGen C1864497, MONDO:0011269, OMIM 602723.
Pityriasis rubra pilaris (PRP). Also called: Pityriasis rubra pilaris--familial type. Identifiers: Orphanet 2897, MedGen C0032027, MONDO:0100017, OMIM 173200, MONDO:0008251.

Allele frequency attached by ClinVar (database versions not stated): gnomAD 0.00001; ExAC 0.00004.

Submissions (2):

Labcorp Genetics (formerly Invitae), Labcorp
Classification: Uncertain significance for Pityriasis rubra pilaris; Psoriasis 2. Last evaluated: 2024-05-23. Review status: criteria provided, single submitter. Criteria: Invitae Variant Classification Sherloc (09022015). Collection method: clinical testing. Allele origin: germline.
Comment: This sequence change replaces lysine, which is basic and polar, with threonine, which is neutral and polar, at codon 143 of the CARD14 protein (p.Lys143Thr). This variant is present in population databases (rs755012349, gnomAD 0.02%). This variant has not been reported in the literature in individuals affected with CARD14-related conditions. ClinVar contains an entry for this variant (Variation ID: 1064207). Advanced modeling of protein sequence and biophysical properties (such as structural, functional, and spatial information, amino acid conservation, physicochemical variation, residue mobility, and thermodynamic stability) performed at Invitae indicates that this missense variant is expected to disrupt CARD14 protein function with a positive predictive value of 80%. In summary, the available evidence is currently insufficient to determine the role of this variant in disease. Therefore, it has been classified as a Variant of Uncertain Significance.

Ambry Genetics
Classification: Uncertain significance for Inborn genetic diseases. Last evaluated: 2023-12-28. Review status: criteria provided, single submitter. Criteria: Ambry Variant Classification Scheme 2023. Collection method: clinical testing. Allele origin: germline.